The following is an entry in ClinVar:

NM_000489.6(ATRX):c.190-3T>C

Gene: ATRX (ATRX chromatin remodeler; minus strand). Cytogenetic location: Xq21.1.
Variant type: single nucleotide variant.
Coding change: c.190-3T>C on transcript NM_000489.6 (MANE Select); 3 bases into the intron before coding-DNA position 190, T replaced by C.
Molecular consequence: intron variant.
Genome position (GRCh38, 1-based): chrX:77,697,638, A>G on the plus strand (T>C on the coding strand, the complement: ATRX is on the minus strand). VCF-style: chrX-77697638-A-G. GRCh37 (hg19) VCF-style: chrX-76953126-A-G.
Other names: c.190-3T>C (NM_138270.5).
Identifiers: ClinVar variation 4724603 (VCV004724603.1).

ClinVar aggregate classification (germline): Uncertain significance (1 of 4 stars; one submission).

Conditions:
Alpha thalassemia-X-linked intellectual disability syndrome (ATRX). Also called: ALPHA-THALASSEMIA/MENTAL RETARDATION SYNDROME, X-LINKED; ATR, NONDELETION TYPE; ATR-X syndrome; Alpha thalassemia mental retardation syndrome, nondeletion type, X-linked; XLMR hypotonic face syndrome; X-linked alpha-thalassemia-mental retardation syndrome. Identifiers: Orphanet 847, MedGen C1845055, MONDO:0010519, OMIM 301040.

Submission:

Labcorp Genetics (formerly Invitae), Labcorp
Classification: Uncertain significance for Alpha thalassemia-X-linked intellectual disability syndrome. Last evaluated: 2025-08-01. Review status: criteria provided, single submitter. Criteria: Invitae Variant Classification Sherloc (09022015). Collection method: clinical testing. Allele origin: germline.
Comment: This sequence change falls in intron 3 of the ATRX gene. It does not directly change the encoded amino acid sequence of the ATRX protein. It affects a nucleotide within the consensus splice site. This variant is not present in population databases (gnomAD no frequency). This variant has not been reported in the literature in individuals affected with ATRX-related conditions. Variants that disrupt the consensus splice site are a relatively common cause of aberrant splicing (PMID: 17576681, 9536098). Algorithms developed to predict the effect of sequence changes on RNA splicing suggest that this variant is not likely to affect RNA splicing. In summary, the available evidence is currently insufficient to determine the role of this variant in disease. Therefore, it has been classified as a Variant of Uncertain Significance.

Literature cited by the submitters: PubMed 17576681; PubMed 9536098.